The following is an entry in ClinVar:

NM_014780.5(CUL7):c.4297C>T (p.Gln1433Ter)

Gene: CUL7 (cullin 7; minus strand). Cytogenetic location: 6p21.1.
Variant type: single nucleotide variant.
Coding change: c.4297C>T on transcript NM_014780.5 (MANE Select); coding-DNA position 4297, C replaced by T.
Protein change: p.Gln1433Ter; replaces glutamine 1433 with a stop codon.
Molecular consequence: nonsense.
Genome position (GRCh38, 1-based): chr6:43,038,985, G>A on the plus strand (C>T on the coding strand, the complement: CUL7 is on the minus strand). VCF-style: chr6-43038985-G-A. GRCh37 (hg19) VCF-style: chr6-43006723-G-A.
Other names: c.4393C>T, p.Gln1465Ter (NM_001168370.2, NM_001374872.1); c.4297C>T, p.Gln1433Ter (NM_001374873.1); c.4294C>T, p.Gln1432Ter (NM_001374874.1); short protein forms Q1432*, Q1433*, Q1465*.
Identifiers: ClinVar variation 1687448 (VCV001687448.1), dbSNP rs377169342, ClinGen allele CA3813241.

ClinVar aggregate classification (germline): Pathogenic (1 of 4 stars; one submission).

Conditions:
3M syndrome 1. Also called: 3-M Syndrome, CUL7-Related. Identifiers: Orphanet 2616, MedGen C2678312, MONDO:0010117, OMIM 273750.

Allele frequency attached by ClinVar (database versions not stated): ExAC 0.00001; TOPMed 0.00001; ESP Exome Variant Server 0.00008.
gnomAD v4.1: 3 of 1,605,796 alleles (0.00019%); highest among the groups gnomAD compares: Non-Finnish European, 0.000085%; no homozygotes.

Submission:

3billion
Classification: Pathogenic for 3M syndrome 1. Last evaluated: 2022-05-22. Review status: criteria provided, single submitter. Criteria: ACMG Guidelines, 2015. Collection method: clinical testing. Allele origin: germline. Affected: yes. Observed: 1 homozygote.
Comment: The variant is observed at an extremely low frequency in the gnomAD v2.1.1 dataset (total allele frequency: <0.001%). Stop-gained (nonsense): predicted to result in a loss or disruption of normal protein function through nonsense-mediated decay (NMD) or protein truncation. Multiple pathogenic variants are reported downstream of the variant. Therefore, this variant is classified as likely pathogenic according to the recommendation of ACMG/AMP guideline.